The following is an entry in ClinVar:

ClinVar aggregate classification (germline): Uncertain significance. Review status: criteria provided, multiple submitters, no conflicts (2 of 4 stars). 2 submissions from 2 submitters: Uncertain significance (2). Last evaluated 2025-03-14.

Conditions:
Cardiovascular phenotype. Identifiers: MedGen CN230736.

gnomAD v4.1: 3 of 1,550,398 alleles (0.00019%); highest among the groups gnomAD compares: East Asian, 0.0049%; no homozygotes.

Submissions (2):

Ambry Genetics
Classification: Uncertain significance for Cardiovascular phenotype. Last evaluated: 2025-03-14. Review status: criteria provided, single submitter. Criteria: Ambry Variant Classification Scheme 2023. Collection method: clinical testing. Allele origin: germline.
Comment: The p.N2604D variant (also known as c.7810A>G), located in coding exon 2 of the ZNF469 gene, results from an A to G substitution at nucleotide position 7810. The asparagine at codon 2604 is replaced by aspartic acid, an amino acid with highly similar properties. This amino acid position is conserved. In addition, this alteration is predicted to be tolerated by in silico analysis. Based on the available evidence, the clinical significance of this variant remains unclear.

Labcorp Genetics (formerly Invitae), Labcorp
Classification: Uncertain significance. Last evaluated: 2024-12-09. Review status: criteria provided, single submitter. Criteria: Invitae Variant Classification Sherloc (09022015). Collection method: clinical testing. Allele origin: germline.
Comment: This sequence change replaces asparagine, which is neutral and polar, with aspartic acid, which is acidic and polar, at codon 2604 of the ZNF469 protein (p.Asn2604Asp). This variant is present in population databases (no rsID available, gnomAD 0.01%). This variant has not been reported in the literature in individuals affected with ZNF469-related conditions. ClinVar contains an entry for this variant (Variation ID: 1920298). An algorithm developed to predict the effect of missense changes on protein structure and function outputs the following: PolyPhen-2: "Benign". The aspartic acid amino acid residue is found in multiple mammalian species, which suggests that this missense change does not adversely affect protein function. In summary, the available evidence is currently insufficient to determine the role of this variant in disease. Therefore, it has been classified as a Variant of Uncertain Significance.

NM_001367624.2(ZNF469):c.7894A>G (p.Asn2632Asp)

Gene: ZNF469 (zinc finger protein 469; plus strand). Cytogenetic location: 16q24.2.
Variant type: single nucleotide variant.
Coding change: c.7894A>G on transcript NM_001367624.2 (MANE Select); coding-DNA position 7894, A replaced by G.
Protein change: p.Asn2632Asp; replaces asparagine 2632 with aspartic acid.
Molecular consequence: missense variant.
Genome position (GRCh38, 1-based): chr16:88,435,364, A>G. VCF-style: chr16-88435364-A-G. GRCh37 (hg19) VCF-style: chr16-88501772-A-G.
Other names: NM_001127464.1:c.7810A>G; short protein forms N2632D.
Identifiers: ClinVar variation 1920298 (VCV001920298.7), dbSNP rs988999388, ClinGen allele CA397115300.